The following is an entry in ClinVar:

NM_198525.3(KIF7):c.1149dup (p.Ile384fs)

Gene: KIF7 (kinesin family member 7; minus strand). Cytogenetic location: 15q26.1.
Variant type: Duplication.
Coding change: c.1149dup on transcript NM_198525.3 (MANE Select); coding-DNA position 1149, one base duplicated (C; older notation c.1149dupC).
Protein change: p.Ile384fs; shifts the reading frame from isoleucine 384.
Molecular consequence: frameshift variant.
Genome position (GRCh38, 1-based): chr15:89,648,549, G duplicated on the plus strand (C on the coding strand, the reverse complement: KIF7 is on the minus strand). VCF-style (leftmost placement, unchanged base first): chr15-89648548-T-TG. GRCh37 (hg19) VCF-style: chr15-90191779-T-TG.
Other names: short protein forms I384fs.
Identifiers: ClinVar variation 1201620 (VCV001201620.4), dbSNP rs2142028862, ClinGen allele CA2499223143.

ClinVar aggregate classification (germline): Pathogenic/Likely pathogenic. Review status: criteria provided, multiple submitters, no conflicts (2 of 4 stars). 2 submissions from 2 submitters: Pathogenic (1); Likely pathogenic (1). Last evaluated 2024-04-30.

Conditions:
Hydrolethalus syndrome 2 (HLS2). Identifiers: Orphanet 2189, MedGen C3279899, MONDO:0013585, OMIM 614120.
Multiple epiphyseal dysplasia, Al-Gazali type. Also called: Macrocephaly with multiple epiphyseal dysplasia and distinctive facies. Identifiers: Orphanet 166024, MedGen C1846722, MONDO:0011778, OMIM 607131.
Acrocallosal syndrome (ACLS). Also called: HALLUX DUPLICATION, POSTAXIAL POLYDACTYLY, AND ABSENCE OF CORPUS CALLOSUM; Schinzel syndrome 1; Absence of corpus callosum with unusual facial appearance, mental deficiency, duplication of the halluces and polydactyly. Identifiers: Orphanet 36, MedGen C0796147, MONDO:0008708, OMIM 200990.

Submissions (2):

Fulgent Genetics
Classification: Likely pathogenic for Acrocallosal syndrome; Multiple epiphyseal dysplasia, Al-Gazali type; Hydrolethalus syndrome 2. Last evaluated: 2024-04-30. Review status: criteria provided, single submitter. Criteria: ACMG Guidelines, 2015. Collection method: clinical testing. Allele origin: germline.

GeneDx
Classification: Pathogenic. Last evaluated: 2020-08-31. Review status: criteria provided, single submitter. Criteria: GeneDx Variant Classification Process June 2021. Collection method: clinical testing. Allele origin: germline. Affected: yes.
Comment: Frameshift variant predicted to result in protein truncation or nonsense mediated decay in a gene for which loss-of-function is a known mechanism of disease; Not observed in large population cohorts (Lek et al., 2016); Has not been previously published as pathogenic or benign to our knowledge